The following is an entry in ClinVar:

ClinVar aggregate classification (germline): Conflicting classifications of pathogenicity. Review status: criteria provided, conflicting classifications (1 of 4 stars). 2 submissions from 2 submitters: Uncertain significance (1); Likely benign (1). Last evaluated 2024-04-27.

Conditions:
Hereditary cancer-predisposing syndrome. Also called: Hereditary Cancer Syndrome; Tumor predisposition; Hereditary neoplastic syndrome; Neoplastic Syndromes, Hereditary. Identifiers: Orphanet 140162, MedGen C0027672, MeSH D009386, MONDO:0015356.
Hereditary breast ovarian cancer syndrome. Also called: Hereditary breast and ovarian cancer syndrome (HBOC); Breast and ovarian cancer; Hereditary breast and ovarian cancer syndrome; Hereditary breast and ovarian cancer; Hereditary breast and/or ovarian cancer syndrome; BRCA1- and BRCA2-Associated Hereditary Breast and Ovarian Cancer. Identifiers: Orphanet 145, MedGen C0677776, MeSH D061325, MONDO:0003582. Disease mechanism: loss of function.

Submissions (2):

Labcorp Genetics (formerly Invitae), Labcorp
Classification: Uncertain significance for Hereditary breast ovarian cancer syndrome. Last evaluated: 2024-04-27. Review status: criteria provided, single submitter. Criteria: Invitae Variant Classification Sherloc (09022015). Collection method: clinical testing. Allele origin: germline.
Comment: This sequence change replaces arginine, which is basic and polar, with leucine, which is neutral and non-polar, at codon 2034 of the BRCA2 protein (p.Arg2034Leu). This variant is not present in population databases (gnomAD no frequency). This variant has not been reported in the literature in individuals affected with BRCA2-related conditions. ClinVar contains an entry for this variant (Variation ID: 1041798). Advanced modeling of protein sequence and biophysical properties (such as structural, functional, and spatial information, amino acid conservation, physicochemical variation, residue mobility, and thermodynamic stability) performed at Invitae indicates that this missense variant is not expected to disrupt BRCA2 protein function with a negative predictive value of 95%. In summary, the available evidence is currently insufficient to determine the role of this variant in disease. Therefore, it has been classified as a Variant of Uncertain Significance.

University of Washington Department of Laboratory Medicine, University of Washington
Classification: Likely benign for Hereditary cancer-predisposing syndrome. Last evaluated: 2023-03-23. Review status: criteria provided, single submitter. Criteria: Dines et al. (Genet Med. 2020). Collection method: curation. Allele origin: germline.
Comment: Missense variant in a coldspot region where missense variants are very unlikely to be pathogenic (PMID:31911673).

BRCA2 exon 11 coldspot. Reclassification based on statistical prior probability.

NM_000059.4(BRCA2):c.6101G>T (p.Arg2034Leu)

Gene: BRCA2 (BRCA2 DNA repair associated; plus strand). Cytogenetic location: 13q13.1.
Variant type: single nucleotide variant.
Coding change: c.6101G>T on transcript NM_000059.4 (MANE Select); coding-DNA position 6101, G replaced by T.
Protein change: p.Arg2034Leu; replaces arginine 2034 with leucine.
Molecular consequence: missense variant.
Genome position (GRCh38, 1-based): chr13:32,340,456, G>T. VCF-style: chr13-32340456-G-T. GRCh37 (hg19) VCF-style: chr13-32914593-G-T.
Other names: short protein forms R2034L.
Identifiers: ClinVar variation 1041798 (VCV001041798.10), dbSNP rs80358849, ClinGen allele CA387788096.